The following is an entry in ClinVar:

ClinVar aggregate classification (germline): Uncertain significance. Review status: criteria provided, multiple submitters, no conflicts (2 of 4 stars). 2 submissions from 2 submitters: Uncertain significance (2). Last evaluated 2024-11-26.

Conditions:
Neutropenia, severe congenital, 2, autosomal dominant. Identifiers: Orphanet 486, MedGen C2751288, MONDO:0013139, OMIM 613107.

Submissions (2):

Ambry Genetics
Classification: Uncertain significance. Last evaluated: 2024-11-26. Review status: criteria provided, single submitter. Criteria: Ambry Variant Classification Scheme 2023. Collection method: clinical testing. Allele origin: germline.
Comment: The p.L421F variant (also known as c.1261C>T), located in coding exon 6 of the GFI1 gene, results from a C to T substitution at nucleotide position 1261. The leucine at codon 421 is replaced by phenylalanine, an amino acid with highly similar properties. This amino acid position is conserved. In addition, this alteration is predicted to be tolerated by in silico analysis. Based on the available evidence, the clinical significance of this variant remains unclear.

Labcorp Genetics (formerly Invitae), Labcorp
Classification: Uncertain significance for Neutropenia, severe congenital, 2, autosomal dominant. Last evaluated: 2024-02-29. Review status: criteria provided, single submitter. Criteria: Invitae Variant Classification Sherloc (09022015). Collection method: clinical testing. Allele origin: germline.
Comment: This sequence change replaces leucine, which is neutral and non-polar, with phenylalanine, which is neutral and non-polar, at codon 421 of the GFI1 protein (p.Leu421Phe). This variant is not present in population databases (gnomAD no frequency). This variant has not been reported in the literature in individuals affected with GFI1-related conditions. An algorithm developed to predict the effect of missense changes on protein structure and function (PolyPhen-2) suggests that this variant is likely to be disruptive. In summary, the available evidence is currently insufficient to determine the role of this variant in disease. Therefore, it has been classified as a Variant of Uncertain Significance.

NM_005263.5(GFI1):c.1261C>T (p.Leu421Phe)

Gene: GFI1 (growth factor independent 1 transcriptional repressor; minus strand). Cytogenetic location: 1p22.1.
Variant type: single nucleotide variant.
Coding change: c.1261C>T on transcript NM_005263.5 (MANE Select); coding-DNA position 1261, C replaced by T.
Protein change: p.Leu421Phe; replaces leucine 421 with phenylalanine.
Molecular consequence: missense variant.
Genome position (GRCh38, 1-based): chr1:92,476,037, G>A on the plus strand (C>T on the coding strand, the complement: GFI1 is on the minus strand). VCF-style: chr1-92476037-G-A. GRCh37 (hg19) VCF-style: chr1-92941594-G-A.
Other names: c.1261C>T, p.Leu421Phe (NM_001127215.3, NM_001127216.3); short protein forms L421F.
Identifiers: ClinVar variation 3519835 (VCV003519835.3).